The following is an entry in ClinVar:

ClinVar aggregate classification (germline): Uncertain significance (1 of 4 stars; one submission).

Conditions:
Neurofibromatosis, type 1 (NF1). Also called: VON RECKLINGHAUSEN DISEASE; NEUROFIBROMATOSIS, TYPE I, SOMATIC; Peripheral type neurofibromatosis; Neurofibromatosis, type I. Identifiers: Orphanet 636, MedGen C0027831, MONDO:0018975, OMIM 162200. Disease mechanism: loss of function.

Submission:

Labcorp Genetics (formerly Invitae), Labcorp
Classification: Uncertain significance for Neurofibromatosis, type 1. Last evaluated: 2020-12-24. Review status: criteria provided, single submitter. Criteria: Invitae Variant Classification Sherloc (09022015). Collection method: clinical testing. Allele origin: germline.
Comment: Nucleotide substitutions within the consensus splice site are a relatively common cause of aberrant splicing (PMID: 17576681, 9536098). Algorithms developed to predict the effect of sequence changes on RNA splicing suggest that this variant may create or strengthen a splice site, but this prediction has not been confirmed by published transcriptional studies. This variant has not been reported in the literature in individuals with NF1-related conditions. This variant is not present in population databases (ExAC no frequency). This sequence change falls in intron 45 of the NF1 gene. It does not directly change the encoded amino acid sequence of the NF1 protein. In summary, the available evidence is currently insufficient to determine the role of this variant in disease. Therefore, it has been classified as a Variant of Uncertain Significance.

Literature cited by the submitters: PubMed 17576681; PubMed 9536098.

NM_001042492.3(NF1):c.6921+3_6921+64dup

Gene: NF1 (neurofibromin 1; plus strand). Cytogenetic location: 17q11.2.
Variant type: Duplication.
Coding change: c.6921+3_6921+64dup on transcript NM_001042492.3 (MANE Select); bases 3 to 64 of the intron after coding-DNA position 6921, 62 bases duplicated.
Molecular consequence: splice donor variant.
Genome position (GRCh38, 1-based): chr17:31,338,808-31,338,869, 62 bases duplicated. GRCh37 (hg19): chr17:29,665,826-29,665,887.
Other names: c.6858+3_6858+64dup (NM_000267.4).
Identifiers: ClinVar variation 1497211 (VCV001497211.8), dbSNP rs2151559419, ClinGen allele CA2573153881.